The following is an entry in ClinVar:

ClinVar aggregate classification (germline): Uncertain significance. Review status: criteria provided, multiple submitters, no conflicts (2 of 4 stars). 3 submissions from 3 submitters: Uncertain significance (2). 1 of the submissions does not count toward it. Last evaluated 2022-03-09.

Conditions:
Usher syndrome type 2A. Also called: USHER SYNDROME, TYPE IIA; RETINAL DISEASE IN USHER SYNDROME TYPE IIA, MODIFIER OF. Identifiers: Orphanet 231178, Orphanet 886, MedGen C1848634, MONDO:0010169, OMIM 276901.

Allele frequency attached by ClinVar (database versions not stated): gnomAD exomes below 0.00001; ExAC 0.00001; gnomAD 0.00001.
gnomAD v4.1: 3 of 1,613,816 alleles (0.00019%); highest among the groups gnomAD compares: South Asian, 0.0011%; no homozygotes.

Submissions (3):

Labcorp Genetics (formerly Invitae), Labcorp
Classification: Uncertain significance. Last evaluated: 2022-03-09. Review status: criteria provided, single submitter. Criteria: Invitae Variant Classification Sherloc (09022015). Collection method: clinical testing. Allele origin: germline.
Comment: This sequence change replaces alanine, which is neutral and non-polar, with valine, which is neutral and non-polar, at codon 1351 of the USH2A protein (p.Ala1351Val). This variant is present in population databases (rs764359055, gnomAD 0.0009%). This variant has not been reported in the literature in individuals affected with USH2A-related conditions. Algorithms developed to predict the effect of missense changes on protein structure and function output the following: SIFT: "Tolerated"; PolyPhen-2: "Benign"; Align-GVGD: "Class C0". The valine amino acid residue is found in multiple mammalian species, which suggests that this missense change does not adversely affect protein function. In summary, the available evidence is currently insufficient to determine the role of this variant in disease. Therefore, it has been classified as a Variant of Uncertain Significance.

Blueprint Genetics
Classification: Uncertain significance. Last evaluated: 2018-06-01. Review status: criteria provided, single submitter. Criteria: ACMG Guidelines, 2015. Collection method: clinical testing. Allele origin: germline.

Natera, Inc.
Classification: Uncertain significance for Usher syndrome type 2A. Last evaluated: 2025-03-10. Review status: no assertion criteria provided. Collection method: clinical testing. Allele origin: germline. Not counted in ClinVar's aggregate classification.

NM_206933.4(USH2A):c.4052C>T (p.Ala1351Val)

Genes: USH2A (usherin; minus strand), USH2A-AS1 (USH2A antisense RNA 1; plus strand). Cytogenetic location: 1q41.
Variant type: single nucleotide variant.
Coding change: c.4052C>T on transcript NM_206933.4 (MANE Select); coding-DNA position 4052, C replaced by T.
Protein change: p.Ala1351Val; replaces alanine 1351 with valine.
Molecular consequence: missense variant.
Genome position (GRCh38, 1-based): chr1:216,198,344, G>A on the plus strand (C>T on the coding strand, the complement: USH2A is on the minus strand). VCF-style: chr1-216198344-G-A. GRCh37 (hg19) VCF-style: chr1-216371686-G-A.
Other names: c.4052C>T, p.Ala1351Val (NM_007123.6); c.4052C>T (NM_206933.2); short protein forms A1351V.
Identifiers: ClinVar variation 1412641 (VCV001412641.7), dbSNP rs764359055, ClinGen allele CA1395843.